The following is an entry in ClinVar:

ClinVar aggregate classification (germline): Uncertain significance (1 of 4 stars; one submission).

Conditions:
Pitt-Hopkins-like syndrome 2 (PTHSL2). Identifiers: Orphanet 221150, Orphanet 600663, MedGen C3280479, MONDO:0013690, OMIM 614325.

Submission:

Labcorp Genetics (formerly Invitae), Labcorp
Classification: Uncertain significance for Pitt-Hopkins-like syndrome 2. Last evaluated: 2023-10-10. Review status: criteria provided, single submitter. Criteria: Invitae Variant Classification Sherloc (09022015). Collection method: clinical testing. Allele origin: germline.
Comment: This sequence change replaces aspartic acid, which is acidic and polar, with histidine, which is basic and polar, at codon 547 of the NRXN1 protein (p.Asp547His). This variant is not present in population databases (gnomAD no frequency). This variant has not been reported in the literature in individuals affected with NRXN1-related conditions. An algorithm developed to predict the effect of missense changes on protein structure and function (PolyPhen-2) suggests that this variant is likely to be disruptive. In summary, the available evidence is currently insufficient to determine the role of this variant in disease. Therefore, it has been classified as a Variant of Uncertain Significance.

NM_001330078.2(NRXN1):c.1519G>C (p.Asp507His)

Gene: NRXN1 (neurexin 1; minus strand). Cytogenetic location: 2p16.3.
Variant type: single nucleotide variant.
Coding change: c.1519G>C on transcript NM_001330078.2 (MANE Select); coding-DNA position 1519, G replaced by C.
Protein change: p.Asp507His; replaces aspartic acid 507 with histidine.
Molecular consequence: missense variant.
Genome position (GRCh38, 1-based): chr2:50,552,827, C>G on the plus strand (G>C on the coding strand, the complement: NRXN1 is on the minus strand). VCF-style: chr2-50552827-C-G. GRCh37 (hg19) VCF-style: chr2-50779965-C-G.
Other names: c.1507G>C, p.Asp503His (NM_001330094.2); c.1495G>C, p.Asp499His (NM_001330095.2, NM_001330077.2, NM_001330082.2); c.1480G>C, p.Asp494His (NM_001330083.2, NM_001330084.2); c.1519G>C, p.Asp507His (NM_001330085.2, NM_001330086.2, NM_004801.6); c.1435G>C, p.Asp479His (NM_001330087.2, NM_001330096.2); c.1465G>C, p.Asp489His (NM_001330088.2); c.1516G>C, p.Asp506His (NM_001330093.2); c.1639G>C, p.Asp547His (NM_001135659.3); short protein forms D479H, D494H, D506H, D507H, D547H, D489H, D499H, D503H.
Identifiers: ClinVar variation 2752279 (VCV002752279.3), dbSNP rs201283797, ClinGen allele CA346773662.